The following is an entry in ClinVar:

ClinVar aggregate classification (germline): Benign. Review status: reviewed by expert panel (3 of 4 stars). 29 submissions from 29 submitters: Benign (1). 28 of the submissions do not count toward it. Last evaluated 2019-06-18.

Conditions:
BRCA2-related cancer predisposition. Identifiers: MedGen CN377758, MONDO:0700269.
Breast and/or ovarian cancer. Identifiers: MedGen CN221562.
Hereditary cancer-predisposing syndrome. Also called: Neoplastic Syndromes, Hereditary; Tumor predisposition; Hereditary Cancer Syndrome; Hereditary neoplastic syndrome. Identifiers: Orphanet 140162, MedGen C0027672, MeSH D009386, MONDO:0015356.
Breast neoplasm. Also called: Neoplasm of breast; Breast tumor; Breast Neoplasms; Neoplasm of the breast. Identifiers: MedGen C1458155, MeSH D001943, MONDO:0021100, HP:0100013. Disease mechanism: gain of function.
Hereditary breast ovarian cancer syndrome. Also called: Hereditary breast and ovarian cancer; Breast and ovarian cancer; Hereditary breast and/or ovarian cancer syndrome; Hereditary breast and ovarian cancer syndrome (HBOC); Hereditary breast and ovarian cancer syndrome; BRCA1- and BRCA2-Associated Hereditary Breast and Ovarian Cancer. Identifiers: Orphanet 145, MedGen C0677776, MeSH D061325, MONDO:0003582. Disease mechanism: loss of function.
Breast-ovarian cancer, familial, susceptibility to, 2 (BROVCA2). Also called: BRCA2 Hereditary Breast and Ovarian Cancer. Identifiers: Orphanet 145, MedGen C2675520, MONDO:0012933, OMIM 612555. Disease mechanism: loss of function.
Fanconi anemia complementation group D1. Also called: BRCA2-Related Fanconi Anemia. Identifiers: Orphanet 319462, MedGen C1838457, MONDO:0011584, OMIM 605724.
Familial cancer of breast. Also called: BREAST CANCER, FAMILIAL; Hereditary breast cancer; hereditary breast carcinoma. Identifiers: Orphanet 227535, MedGen C0346153, MONDO:0016419, OMIM 114480. Disease mechanism: loss of function.

Allele frequency attached by ClinVar (database versions not stated): gnomAD 0.00022; ExAC 0.00023; gnomAD exomes 0.00025 and 0.00051; TOPMed 0.00026; 1000 Genomes Project 30x 0.00031; ESP Exome Variant Server 0.00046.
gnomAD v4.1: 786 of 1,613,402 alleles (0.049%); highest among the groups gnomAD compares: Middle Eastern, 0.066%; 2 homozygotes.

Submissions 1 to 20 of 29:

Evidence-based Network for the Interpretation of Germline Mutant Alleles (ENIGMA)
Classification: Benign for Breast-ovarian cancer, familial, susceptibility to, 2. Last evaluated: 2019-06-18. Review status: reviewed by expert panel. Criteria: ENIGMA BRCA1/2 Classification Criteria (2017-06-29). Collection method: curation. Allele origin: germline.
Comment: IARC class based on posterior probability from multifactorial likelihood analysis, thresholds for class as per Plon et al. 2008 (PMID: 18951446). Class 1 based on posterior probability = 1.80E-06

CeGaT Center for Human Genetics Tuebingen
Classification: Likely benign. Last evaluated: 2026-03-01. Review status: criteria provided, single submitter. Criteria: CeGaT Center For Human Genetics Tuebingen Variant Classification Criteria Version 2. Collection method: clinical testing. Allele origin: germline. Affected: yes. Observed: 11 variant alleles. Not counted in ClinVar's aggregate classification.
Comment: BRCA2: BP4, BS3:Supporting

Labcorp Genetics (formerly Invitae), Labcorp
Classification: Benign for Hereditary breast ovarian cancer syndrome. Last evaluated: 2026-02-03. Review status: criteria provided, single submitter. Criteria: Invitae Variant Classification Sherloc (09022015). Collection method: clinical testing. Allele origin: germline. Not counted in ClinVar's aggregate classification.

ARUP Laboratories, Molecular Genetics and Genomics, ARUP Laboratories
Classification: Benign. Last evaluated: 2025-06-18. Review status: criteria provided, single submitter. Criteria: ARUP Molecular Germline Variant Investigation Process 2024. Collection method: clinical testing. Allele origin: germline. Not counted in ClinVar's aggregate classification.

Center for Genomic Medicine, Rigshospitalet, Copenhagen University Hospital
Classification: Benign. Last evaluated: 2025-03-04. Review status: criteria provided, single submitter. Criteria: ACMG Guidelines, 2015. Collection method: clinical testing. Allele origin: germline. Not counted in ClinVar's aggregate classification.

Blueprint Genetics
Classification: Likely benign. Last evaluated: 2024-11-27. Review status: criteria provided, single submitter. Criteria: ACMG Guidelines, 2015. Collection method: clinical testing. Allele origin: germline. Not counted in ClinVar's aggregate classification.

All of Us Research Program, National Institutes of Health
Classification: Likely benign for BRCA2-related cancer predisposition. Last evaluated: 2024-09-23. Review status: criteria provided, single submitter. Criteria: ACMG Guidelines, 2015. Collection method: clinical testing. Allele origin: germline. Inheritance: Autosomal dominant inheritance. Observed: 129 variant alleles, 129 heterozygotes. Not counted in ClinVar's aggregate classification.
Comment: This study involves interpretation of variants in research participants for the purpose of population health screening. Participant phenotype was not available at the time of variant classification. Additional details can be found in publication PMID: 35346344, PMCID: PMC8962531

Genetics and Molecular Pathology, SA Pathology
Classification: Benign for Familial cancer of breast. Last evaluated: 2021-08-02. Review status: criteria provided, single submitter. Criteria: ACMG Guidelines, 2015. Collection method: clinical testing. Allele origin: germline. Affected: yes. Not counted in ClinVar's aggregate classification.
Comment: The BRCA2 c.9038C>T variant is classified as Benign (BS1, BS3, BP4, BP6)

Sema4
Classification: Likely benign for Hereditary cancer-predisposing syndrome. Last evaluated: 2021-02-10. Review status: criteria provided, single submitter. Criteria: Sema4 Curation Guidelines. Collection method: curation. Allele origin: germline. Not counted in ClinVar's aggregate classification.

CHEO Genetics Diagnostic Laboratory, Children's Hospital of Eastern Ontario
Classification: Likely benign for Breast and/or ovarian cancer. Last evaluated: 2020-02-05. Review status: criteria provided, single submitter. Criteria: ACMG Guidelines, 2015. Collection method: clinical testing. Allele origin: germline. Study: Canadian Open Genetics Repository. Not counted in ClinVar's aggregate classification.

Mendelics
Classification: Likely benign for Breast-ovarian cancer, familial, susceptibility to, 2. Last evaluated: 2019-05-28. Review status: criteria provided, single submitter. Criteria: Mendelics Assertion Criteria 2017. Collection method: clinical testing. Allele origin: unknown. Not counted in ClinVar's aggregate classification.

Genetic Services Laboratory, University of Chicago
Classification: Uncertain significance. Last evaluated: 2018-07-13. Review status: criteria provided, single submitter. Criteria: ACMG Guidelines, 2015. Collection method: clinical testing. Allele origin: germline. Affected: no. Not counted in ClinVar's aggregate classification.

Institute for Biomarker Research, Medical Diagnostic Laboratories, L.L.C.
Classification: Likely benign for Hereditary cancer-predisposing syndrome. Last evaluated: 2018-05-23. Review status: criteria provided, single submitter. Criteria: ACMG Guidelines, 2015. Collection method: clinical testing. Allele origin: germline. Not counted in ClinVar's aggregate classification.

PreventionGenetics, part of Exact Sciences
Classification: Benign. Last evaluated: 2017-11-20. Review status: criteria provided, single submitter. Criteria: ACMG Guidelines, 2015. Collection method: clinical testing. Allele origin: germline. Not counted in ClinVar's aggregate classification.

Center for Pediatric Genomic Medicine, Children's Mercy Hospital and Clinics
Classification: Likely benign. Last evaluated: 2017-06-20. Review status: criteria provided, single submitter. Criteria: ACMG Guidelines, 2015. Collection method: clinical testing. Allele origin: germline. Not counted in ClinVar's aggregate classification.

Clinical Genetics DNA and cytogenetics Diagnostics Lab, Erasmus MC, Erasmus Medical Center
Classification: Benign for Breast-ovarian cancer, familial, susceptibility to, 2. Last evaluated: 2017-05-31. Review status: criteria provided, single submitter. Criteria: ACGS Guidelines, 2013. Collection method: clinical testing. Allele origin: germline. Affected: yes. Study: VKGL Data-share Consensus. Not counted in ClinVar's aggregate classification.

Illumina Laboratory Services, Illumina
Classification: Likely benign for Fanconi anemia complementation group D1. Last evaluated: 2017-04-28. Review status: criteria provided, single submitter. Criteria: ICSL Variant Classification Criteria 13 December 2019. Collection method: clinical testing. Allele origin: germline. Not counted in ClinVar's aggregate classification.
Comment: This variant was observed as part of a predisposition screen in an ostensibly healthy population. A literature search was performed for the gene, cDNA change, and amino acid change (where applicable). No publications were found based on this search. Allele frequency data from public databases allowed determination this variant is unlikely to cause disease. Therefore, this variant is classified as likely benign.

Laboratory for Molecular Medicine, Mass General Brigham Personalized Medicine
Classification: Uncertain significance. Last evaluated: 2016-06-23. Review status: criteria provided, single submitter. Criteria: LMM Criteria. Collection method: clinical testing. Allele origin: germline. Not counted in ClinVar's aggregate classification.
Comment: Variant identified in a genome or exome case(s) and assessed due to predicted null impact of the variant or pathogenic assertions in the literature or databases. Disclaimer: This variant has not undergone full assessment. The following are preliminary notes: ClinVar: 8 B/LB

Color Diagnostics, LLC DBA Color Health
Classification: Likely benign for Hereditary cancer-predisposing syndrome. Last evaluated: 2015-03-09. Review status: criteria provided, single submitter. Criteria: ACMG Guidelines, 2015. Collection method: clinical testing. Allele origin: germline. Not counted in ClinVar's aggregate classification.

Ambry Genetics
Classification: Benign for Hereditary cancer-predisposing syndrome. Last evaluated: 2014-11-19. Review status: criteria provided, single submitter. Criteria: Ambry Variant Classification Scheme 2023. Collection method: clinical testing. Allele origin: germline. Not counted in ClinVar's aggregate classification.

NM_000059.4(BRCA2):c.9038C>T (p.Thr3013Ile)

Gene: BRCA2 (BRCA2 DNA repair associated; plus strand). Cytogenetic location: 13q13.1.
Variant type: single nucleotide variant.
Coding change: c.9038C>T on transcript NM_000059.4 (MANE Select); coding-DNA position 9038, C replaced by T.
Protein change: p.Thr3013Ile; replaces threonine 3013 with isoleucine.
Molecular consequence: missense variant.
Genome position (GRCh38, 1-based): chr13:32,379,834, C>T. VCF-style: chr13-32379834-C-T. GRCh37 (hg19) VCF-style: chr13-32953971-C-T.
Other names: short protein forms T3013I.
Identifiers: ClinVar variation 38205 (VCV000038205.93), dbSNP rs28897755, ClinGen allele CA025938.
Genomic context (GRCh38, chr13:32,379,834, plus strand): 5'-CATCAGATTTATATTCTCTGTTAACAGAAGGAAAGAGATACAGAATTTATCATCTTGCAA[C>T]TTCAAAATCTAAAAGTAAATCTGAAAGAGCTAACATACAGTTAGCAGCGACAAAAAAAAC-3'
Protein context (NP_000050.3, residues 3003-3023): GKRYRIYHLA[Thr3013Ile]SKSKSKSERA